The following is an entry in ClinVar:

ClinVar aggregate classification (germline): Conflicting classifications of pathogenicity. Review status: criteria provided, conflicting classifications (1 of 4 stars). 3 submissions from 3 submitters: Uncertain significance (2); Benign (1). Last evaluated 2023-10-01.

Conditions:
Xeroderma pigmentosum, group D (XPD). Also called: XERODERMA PIGMENTOSUM, COMPLEMENTATION GROUP D; XERODERMA PIGMENTOSUM IV; XP, GROUP D; XP, GROUP H; ERCC2-Related Xeroderma Pigmentosum. Identifiers: MedGen C0268138, MONDO:0010212, OMIM 278730.
Trichothiodystrophy 1, photosensitive (TTD1). Also called: TRICHOTHIODYSTROPHY WITH CONGENITAL ICHTHYOSIS; PIBIDS SYNDROME; TAY SYNDROME. Identifiers: Orphanet 33364, MedGen C1866504, MONDO:0011125, OMIM 601675.

Allele frequency attached by ClinVar (database versions not stated): gnomAD 0.00001 and 0.00007; TOPMed 0.00001; gnomAD exomes 0.00008 and 0.00017; ESP Exome Variant Server 0.00023; ExAC 0.00024; 1000 Genomes Project 30x 0.00078; 1000 Genomes Project 0.00080.
gnomAD v4.1: 132 of 1,614,206 alleles (0.0082%); highest among the groups gnomAD compares: South Asian, 0.099%; no homozygotes.

Submissions (3):

CeGaT Center for Human Genetics Tuebingen
Classification: Uncertain significance. Last evaluated: 2023-10-01. Review status: criteria provided, single submitter. Criteria: CeGaT Center For Human Genetics Tuebingen Variant Classification Criteria Version 2. Collection method: clinical testing. Allele origin: germline. Affected: yes. Observed: 1 variant allele.
Comment: ERCC2: PM2

Baylor Genetics
Classification: Uncertain significance for Trichothiodystrophy 1, photosensitive. Last evaluated: 2020-06-05. Review status: criteria provided, single submitter. Criteria: ACMG Guidelines, 2015. Collection method: clinical testing. Allele origin: unknown. Affected: yes. Study: CSER-TexasKidsCanSeq.
Comment: This variant was determined to be of uncertain significance according to ACMG Guidelines, 2015 [PMID:25741868].

Illumina Laboratory Services, Illumina
Classification: Benign for Xeroderma pigmentosum, group D. Last evaluated: 2017-04-27. Review status: criteria provided, single submitter. Criteria: ICSL Variant Classification Criteria 13 December 2019. Collection method: clinical testing. Allele origin: germline.
Comment: This variant was observed as part of a predisposition screen in an ostensibly healthy population. A literature search was performed for the gene, cDNA change, and amino acid change (where applicable). Publications were found based on this search. The evidence from the literature, in combination with allele frequency data from public databases where available, was sufficient to rule this variant out of causing disease. Therefore, this variant is classified as benign.

Literature cited by the submitters: PubMed 27085493 (cited by Illumina Laboratory Services, Illumina).

NM_000400.4(ERCC2):c.1339G>A (p.Val447Ile)

Gene: ERCC2 (ERCC excision repair 2, TFIIH core complex helicase subunit; minus strand). Cytogenetic location: 19q13.32.
Variant type: single nucleotide variant.
Coding change: c.1339G>A on transcript NM_000400.4 (MANE Select); coding-DNA position 1339, G replaced by A.
Protein change: p.Val447Ile; replaces valine 447 with isoleucine.
Molecular consequence: missense variant.
Genome position (GRCh38, 1-based): chr19:45,357,512, C>T on the plus strand (G>A on the coding strand, the complement: ERCC2 is on the minus strand). VCF-style: chr19-45357512-C-T. GRCh37 (hg19) VCF-style: chr19-45860770-C-T.
Other names: short protein forms V447I.
Identifiers: ClinVar variation 894684 (VCV000894684.29), dbSNP rs141457460, ClinGen allele CA9513344.